The following is an entry in ClinVar:

NM_001365951.3(KIF1B):c.1949C>A (p.Ala650Asp)

Gene: KIF1B (kinesin family member 1B; plus strand). Cytogenetic location: 1p36.22.
Variant type: single nucleotide variant.
Coding change: c.1949C>A on transcript NM_001365951.3 (MANE Select); coding-DNA position 1949, C replaced by A.
Protein change: p.Ala650Asp; replaces alanine 650 with aspartic acid.
Molecular consequence: missense variant.
Genome position (GRCh38, 1-based): chr1:10,296,984, C>A. VCF-style: chr1-10296984-C-A. GRCh37 (hg19) VCF-style: chr1-10357042-C-A.
Other names: c.1949C>A, p.Ala650Asp (NM_001365952.1); c.1811C>A, p.Ala604Asp (NM_001365953.1, NM_015074.3, NM_183416.4); short protein forms A650D, A604D.
Identifiers: ClinVar variation 4092368 (VCV004092368.1).

ClinVar aggregate classification (germline): Uncertain significance (1 of 4 stars; one submission).

Submission:

Ambry Genetics
Classification: Uncertain significance. Last evaluated: 2025-08-15. Review status: criteria provided, single submitter. Criteria: Ambry Variant Classification Scheme 2023. Collection method: clinical testing. Allele origin: germline.
Comment: The p.A604D variant (also known as c.1811C>A), located in coding exon 18 of the KIF1B gene, results from a C to A substitution at nucleotide position 1811. The alanine at codon 604 is replaced by aspartic acid, an amino acid with dissimilar properties. This amino acid position is conserved. In addition, the in silico prediction for this alteration is inconclusive. Based on the available evidence, the clinical significance of this variant remains unclear.